The following is an entry in ClinVar:

ClinVar aggregate classification (germline): Likely pathogenic (1 of 4 stars; one submission).

Conditions:
CREBBP-related disorder. Also called: CREBBP-related condition; CREBBP-related disorders.

Submission:

PreventionGenetics, part of Exact Sciences
Classification: Likely pathogenic for CREBBP-related condition. Last evaluated: 2022-09-07. Review status: criteria provided, single submitter. Criteria: ACMG Guidelines, 2015. Collection method: clinical testing. Allele origin: germline.
Comment: The CREBBP c.5608G>C variant is predicted to result in the amino acid substitution p.Ala1870Pro. This variant was reported as a de novo finding in an individual with Menke-Hennekam syndrome (Menke et al 2018. PubMed ID: 29460469). This variant has not been reported in a large population database, indicating this variant is rare. This variant is interpreted as likely pathogenic.

NM_004380.3(CREBBP):c.5608G>C (p.Ala1870Pro)

Gene: CREBBP (CREB binding lysine acetyltransferase; minus strand). Cytogenetic location: 16p13.3.
Variant type: single nucleotide variant.
Coding change: c.5608G>C on transcript NM_004380.3 (MANE Select); coding-DNA position 5608, G replaced by C.
Protein change: p.Ala1870Pro; replaces alanine 1870 with proline.
Molecular consequence: missense variant.
Genome position (GRCh38, 1-based): chr16:3,729,439, C>G on the plus strand (G>C on the coding strand, the complement: CREBBP is on the minus strand). VCF-style: chr16-3729439-C-G. GRCh37 (hg19) VCF-style: chr16-3779440-C-G.
Other names: c.5494G>C, p.Ala1832Pro (NM_001079846.1); short protein forms A1832P, A1870P.
Identifiers: ClinVar variation 2637055 (VCV002637055.1), dbSNP rs1411086593, ClinGen allele CA394555912.